The following is an entry in ClinVar:

NM_144992.5(VWA3B):c.3014del (p.Lys1005fs)

Gene: VWA3B (von Willebrand factor A domain containing 3B; plus strand). Cytogenetic location: 2q11.2.
Variant type: Deletion.
Coding change: c.3014del on transcript NM_144992.5 (MANE Select); coding-DNA position 3014, one base deleted (A; older notation c.3014delA).
Protein change: p.Lys1005fs; shifts the reading frame from lysine 1005.
Molecular consequence: frameshift variant. On other transcripts: non-coding transcript variant (1).
Genome position (GRCh38, 1-based): chr2:98,270,852, A deleted; the last of 2 consecutive A bases (chr2:98,270,851-98,270,852); deleting either gives the same sequence. VCF-style (leftmost placement, unchanged base first): chr2-98270850-CA-C. GRCh37 (hg19) VCF-style: chr2-98887313-CA-C.
Other names: c.1985del, p.Lys662fs (NM_001345864.2); short protein forms K1005fs, K662fs.
Identifiers: ClinVar variation 4849369 (VCV004849369.1).

ClinVar aggregate classification (germline): Likely pathogenic (1 of 4 stars; one submission).

Conditions:
Spinocerebellar ataxia, autosomal recessive 22 (SCAR22). Identifiers: MedGen C4310781, MONDO:0014845, OMIM 616948.

Submission:

First Genomix Gene Laboratory, Genetic Diagnostics Department
Classification: Likely pathogenic for Spinocerebellar ataxia, autosomal recessive 22. Last evaluated: 2025-07-15. Review status: criteria provided, single submitter. Criteria: ACMG Guidelines, 2015. Collection method: clinical testing. Allele origin: germline. Inheritance: Autosomal recessive inheritance. Affected: no. Observed: 1 variant allele.